The following is an entry in ClinVar:

ClinVar aggregate classification (germline): Uncertain significance (1 of 4 stars; one submission).

gnomAD v4.1: 3 of 1,614,048 alleles (0.00019%); highest among the groups gnomAD compares: South Asian, 0.0022%; no homozygotes.

Submission:

Ambry Genetics
Classification: Uncertain significance. Last evaluated: 2025-03-06. Review status: criteria provided, single submitter. Criteria: Ambry Variant Classification Scheme 2023. Collection method: clinical testing. Allele origin: germline.
Comment: The p.T125A variant (also known as c.373A>G), located in coding exon 4 of the RINT1 gene, results from an A to G substitution at nucleotide position 373. The threonine at codon 125 is replaced by alanine, an amino acid with similar properties. This amino acid position is conserved. In addition, this alteration is predicted to be tolerated by in silico analysis. Based on the available evidence, the clinical significance of this variant remains unclear.

NM_021930.6(RINT1):c.373A>G (p.Thr125Ala)

Gene: RINT1 (RAD50 interactor 1; plus strand). Cytogenetic location: 7q22.3.
Variant type: single nucleotide variant.
Coding change: c.373A>G on transcript NM_021930.6 (MANE Select); coding-DNA position 373, A replaced by G.
Protein change: p.Thr125Ala; replaces threonine 125 with alanine.
Molecular consequence: missense variant. On other transcripts: 5 prime UTR variant (3), non-coding transcript variant (1).
Genome position (GRCh38, 1-based): chr7:105,542,507, A>G. VCF-style: chr7-105542507-A-G. GRCh37 (hg19) VCF-style: chr7-105182954-A-G.
Other names: c.139A>G, p.Thr47Ala (NM_001346599.2); c.-647A>G (NM_001346600.2); c.-550A>G (NM_001346601.2); c.-170A>G (NM_001346603.2); short protein forms T125A, T47A.
Identifiers: ClinVar variation 3789241 (VCV003789241.1).